The following is an entry in ClinVar:

ClinVar aggregate classification (germline): Uncertain significance (1 of 4 stars; one submission).

Submission:

GeneDx
Classification: Uncertain significance. Last evaluated: 2025-03-11. Review status: criteria provided, single submitter. Criteria: GeneDx Variant Classification Process June 2021. Collection method: clinical testing. Allele origin: germline. Affected: yes.
Comment: Not observed at significant frequency in large population cohorts (gnomAD); In silico analysis supports that this missense variant has a deleterious effect on protein structure/function; Has not been previously published as pathogenic or benign to our knowledge

NM_032380.5(GFM2):c.314A>G (p.Asp105Gly)

Gene: GFM2 (GTP dependent ribosome recycling factor mitochondrial 2; minus strand). Cytogenetic location: 5q13.3.
Variant type: single nucleotide variant.
Coding change: c.314A>G on transcript NM_032380.5 (MANE Select); coding-DNA position 314, A replaced by G.
Protein change: p.Asp105Gly; replaces aspartic acid 105 with glycine.
Molecular consequence: missense variant. On other transcripts: non-coding transcript variant (1).
Genome position (GRCh38, 1-based): chr5:74,751,484, T>C on the plus strand (A>G on the coding strand, the complement: GFM2 is on the minus strand). VCF-style: chr5-74751484-T-C. GRCh37 (hg19) VCF-style: chr5-74047309-T-C.
Other names: c.410A>G, p.Asp137Gly (NM_001281302.2); c.314A>G, p.Asp105Gly (NM_170681.3, NM_170691.3); short protein forms D105G, D137G.
Identifiers: ClinVar variation 4083002 (VCV004083002.1).